The following is an entry in ClinVar:

NM_016333.4(SRRM2):c.2075C>T (p.Ser692Phe)

Gene: SRRM2 (serine/arginine repetitive matrix 2; plus strand). Cytogenetic location: 16p13.3.
Variant type: single nucleotide variant.
Coding change: c.2075C>T on transcript NM_016333.4 (MANE Select); coding-DNA position 2075, C replaced by T.
Protein change: p.Ser692Phe; replaces serine 692 with phenylalanine.
Molecular consequence: missense variant.
Genome position (GRCh38, 1-based): chr16:2,762,603, C>T. VCF-style: chr16-2762603-C-T. GRCh37 (hg19) VCF-style: chr16-2812604-C-T.
Other names: short protein forms S692F.
Identifiers: ClinVar variation 3449548 (VCV003449548.3).

ClinVar aggregate classification (germline): Uncertain significance. Review status: criteria provided, multiple submitters, no conflicts (2 of 4 stars). 2 submissions from 2 submitters: Uncertain significance (2). Last evaluated 2025-01-31.

Conditions:
Inborn genetic diseases. Identifiers: MedGen C0950123, MeSH D030342.

gnomAD v4.1: 8 of 1,613,998 alleles (0.0005%); highest among the groups gnomAD compares: Admixed American, 0.01%; no homozygotes.

Submissions (2):

Women's Health and Genetics/Laboratory Corporation of America, LabCorp
Classification: Uncertain significance. Last evaluated: 2025-01-31. Review status: criteria provided, single submitter. Criteria: LabCorp Variant Classification Summary - May 2015. Collection method: clinical testing. Allele origin: germline.
Comment: Variant summary: SRRM2 c.2075C>T (p.Ser692Phe) results in a non-conservative amino acid change in the encoded protein sequence. Four of five in-silico tools predict a damaging effect of the variant on protein function. The variant was absent in 251204 control chromosomes. The available data on variant occurrences in the general population are insufficient to allow any conclusion about variant significance. To our knowledge, no occurrence of c.2075C>T in individuals affected with Intellectual Developmental Disorder, Autosomal Dominant 72 and no experimental evidence demonstrating its impact on protein function have been reported. ClinVar contains an entry for this variant (Variation ID: 3449548). Based on the evidence outlined above, the variant was classified as uncertain significance.

Ambry Genetics
Classification: Uncertain significance for Inborn genetic diseases. Last evaluated: 2024-09-03. Review status: criteria provided, single submitter. Criteria: Ambry Variant Classification Scheme 2023. Collection method: clinical testing. Allele origin: germline.